The following is an entry in ClinVar:

ClinVar aggregate classification (germline): Pathogenic (1 of 4 stars; one submission).

Submission:

GeneDx
Classification: Pathogenic. Last evaluated: 2015-05-20. Review status: criteria provided, single submitter. Criteria: GeneDx Variant Classification (06012015). Collection method: clinical testing. Allele origin: germline. Affected: yes.
Comment: The S359X nonsense pathogenic variant is predicted to cause loss of normal protein function either through proteintruncation or nonsense-mediated mRNA decay. It was not observed in approximately 6,500 individuals of Europeanand African American ancestry in the NHLBI Exome Sequencing Project, indicating it is not a common benignvariant in these populations. Although S359X has not been reported previously to our knowledge, it is expected to bea pathogenic variant.

NM_014141.6(CNTNAP2):c.1076C>G (p.Ser359Ter)

Gene: CNTNAP2 (contactin associated protein 2; plus strand). Cytogenetic location: 7q35.
Variant type: single nucleotide variant.
Coding change: c.1076C>G on transcript NM_014141.6 (MANE Select); coding-DNA position 1076, C replaced by G.
Protein change: p.Ser359Ter; replaces serine 359 with a stop codon.
Molecular consequence: nonsense.
Genome position (GRCh38, 1-based): chr7:147,128,829, C>G. VCF-style: chr7-147128829-C-G. GRCh37 (hg19) VCF-style: chr7-146825921-C-G.
Other names: short protein forms S359*.
Identifiers: ClinVar variation 379816 (VCV000379816.2), dbSNP rs1057520743, ClinGen allele CA16605252.